The following is an entry in ClinVar:

ClinVar aggregate classification (germline): Uncertain significance (1 of 4 stars; one submission).

Conditions:
PLXNB3-related disorder. Also called: PLXNB3-related condition.

Submission:

PreventionGenetics, part of Exact Sciences
Classification: Uncertain significance for PLXNB3-related condition. Last evaluated: 2022-08-19. Review status: criteria provided, single submitter. Criteria: ACMG Guidelines, 2015. Collection method: clinical testing. Allele origin: germline.
Comment: The PLXNB3 c.2009C>A variant is predicted to result in the amino acid substitution p.Pro670Gln. To our knowledge, this variant has not been reported in the literature or in a large population database, indicating this variant is rare. At this time, the clinical significance of this variant is uncertain due to the absence of conclusive functional and genetic evidence.

NM_005393.3(PLXNB3):c.1940C>A (p.Pro647Gln)

Gene: PLXNB3 (plexin B3; plus strand). Cytogenetic location: Xq28.
Variant type: single nucleotide variant.
Coding change: c.1940C>A on transcript NM_005393.3 (MANE Select); coding-DNA position 1940, C replaced by A.
Protein change: p.Pro647Gln; replaces proline 647 with glutamine.
Molecular consequence: missense variant.
Genome position (GRCh38, 1-based): chrX:153,770,572, C>A. VCF-style: chrX-153770572-C-A. GRCh37 (hg19) VCF-style: chrX-153036027-C-A.
Other names: c.2009C>A, p.Pro670Gln (NM_001163257.2); short protein forms P647Q, P670Q.
Identifiers: ClinVar variation 2636271 (VCV002636271.1), dbSNP rs781926148, ClinGen allele CA415104414.